The following is an entry in ClinVar:

ClinVar aggregate classification (germline): Likely benign. Review status: criteria provided, multiple submitters, no conflicts (2 of 4 stars). 2 submissions from 2 submitters: Likely benign (2). Last evaluated 2024-09-16.

Allele frequency attached by ClinVar (database versions not stated): gnomAD 0.00007; ESP Exome Variant Server 0.00008; TOPMed 0.00011; gnomAD exomes 0.00017; ExAC 0.00019.
gnomAD v4.1: 249 of 1,562,908 alleles (0.016%); highest among the groups gnomAD compares: Non-Finnish European, 0.02%; no homozygotes.

Submissions (2):

Blueprint Genetics
Classification: Likely benign. Last evaluated: 2024-09-16. Review status: criteria provided, single submitter. Criteria: ACMG Guidelines, 2015. Collection method: clinical testing. Allele origin: germline.

CeGaT Center for Human Genetics Tuebingen
Classification: Likely benign. Last evaluated: 2024-01-01. Review status: criteria provided, single submitter. Criteria: CeGaT Center For Human Genetics Tuebingen Variant Classification Criteria Version 2. Collection method: clinical testing. Allele origin: germline. Affected: yes. Observed: 1 variant allele.
Comment: ABCA2: BP4, BP7

NM_001606.5(ABCA2):c.7224C>T (p.Pro2408=)

Gene: ABCA2 (ATP binding cassette subfamily A member 2; minus strand). Cytogenetic location: 9q34.3.
Variant type: single nucleotide variant.
Coding change: c.7224C>T on transcript NM_001606.5 (MANE Select); coding-DNA position 7224, C replaced by T.
Protein change: p.Pro2408=; no amino-acid change (proline 2408 retained).
Molecular consequence: synonymous variant.
Genome position (GRCh38, 1-based): chr9:137,008,467, G>A on the plus strand (C>T on the coding strand, the complement: ABCA2 is on the minus strand). VCF-style: chr9-137008467-G-A. GRCh37 (hg19) VCF-style: chr9-139902919-G-A.
Other names: c.7221C>T, p.Pro2407= (NM_001411042.1); c.7314C>T, p.Pro2438= (NM_212533.3).
Identifiers: ClinVar variation 3025243 (VCV003025243.23), dbSNP rs374468509, ClinGen allele CA5353250.